The following is an entry in ClinVar:

NM_015226.3(CLEC16A):c.2526C>T (p.Leu842=)

Gene: CLEC16A (C-type lectin domain containing 16A; plus strand). Cytogenetic location: 16p13.13.
Variant type: single nucleotide variant.
Coding change: c.2526C>T on transcript NM_015226.3 (MANE Select); coding-DNA position 2526, C replaced by T.
Protein change: p.Leu842=; no amino-acid change (leucine 842 retained).
Molecular consequence: synonymous variant.
Genome position (GRCh38, 1-based): chr16:11,126,031, C>T. VCF-style: chr16-11126031-C-T. GRCh37 (hg19) VCF-style: chr16-11219888-C-T.
Other names: c.2472C>T, p.Leu824= (NM_001243403.2); c.2520C>T, p.Leu840= (NM_001410905.1).
Identifiers: ClinVar variation 2646209 (VCV002646209.24), dbSNP rs200280529, ClinGen allele CA7901854.
Genomic context (GRCh38, chr16:11,126,031, plus strand): 5'-GACCGTAGCCCTCCTGGACCTCCCAATCCAGCCCACCACTGAAGTCCTGGGGTTTGGACT[C>T]GGCTCCTCCACCTCCACTCAGCACCTGCCTTTCCGCTTCTACGACCAGGGGCGCCGGGGC-3'
Protein context (NP_056041.1, residues 832-852): QPTTEVLGFG[Leu842=]GSSTSTQHLP

ClinVar aggregate classification (germline): Likely benign (1 of 4 stars; one submission).

Allele frequency attached by ClinVar (database versions not stated): ExAC 0.00005; gnomAD exomes 0.00005; gnomAD 0.00006; ESP Exome Variant Server 0.00008; TOPMed 0.00010.
gnomAD v4.1: 88 of 1,613,472 alleles (0.0055%); highest among the groups gnomAD compares: Non-Finnish European, 0.0067%; no homozygotes.

Submission:

CeGaT Center for Human Genetics Tuebingen
Classification: Likely benign. Last evaluated: 2023-03-01. Review status: criteria provided, single submitter. Criteria: CeGaT Center For Human Genetics Tuebingen Variant Classification Criteria Version 2. Collection method: clinical testing. Allele origin: germline. Affected: yes. Observed: 1 variant allele.
Comment: CLEC16A: BP4, BP7